The following is an entry in ClinVar:

NM_002303.6(LEPR):c.264C>T (p.His88=)

Gene: LEPR (leptin receptor; plus strand). Cytogenetic location: 1p31.3.
Variant type: single nucleotide variant.
Coding change: c.264C>T on transcript NM_002303.6 (MANE Select); coding-DNA position 264, C replaced by T.
Protein change: p.His88=; no amino-acid change (histidine 88 retained).
Molecular consequence: synonymous variant.
Genome position (GRCh38, 1-based): chr1:65,570,696, C>T. VCF-style: chr1-65570696-C-T. GRCh37 (hg19) VCF-style: chr1-66036379-C-T.
Other names: c.264C>T, p.His88= (NM_001003679.3, NM_001003680.3, NM_001198687.2 and 2 more transcripts).
Identifiers: ClinVar variation 3351172 (VCV003351172.1).

ClinVar aggregate classification (germline): Likely benign (0 of 4 stars; one submission).

Conditions:
LEPR-related disorder. Also called: LEPR-related condition; LEPR-related disorders.

gnomAD v4.1: 4 of 1,613,788 alleles (0.00025%); highest among the groups gnomAD compares: Non-Finnish European, 0.00017%; no homozygotes.

Submission:

PreventionGenetics, part of Exact Sciences
Classification: Likely benign for LEPR-related condition. Last evaluated: 2020-10-16. Review status: no assertion criteria provided. Collection method: clinical testing. Allele origin: germline.
Comment: This variant is classified as likely benign based on ACMG/AMP sequence variant interpretation guidelines (Richards et al. 2015 PMID: 25741868, with internal and published modifications).